The following is an entry in ClinVar:

NM_004369.4(COL6A3):c.4171G>C (p.Val1391Leu)

Gene: COL6A3 (collagen type VI alpha 3 chain; minus strand). Cytogenetic location: 2q37.3.
Variant type: single nucleotide variant.
Coding change: c.4171G>C on transcript NM_004369.4 (MANE Select); coding-DNA position 4171, G replaced by C.
Protein change: p.Val1391Leu; replaces valine 1391 with leucine.
Molecular consequence: missense variant.
Genome position (GRCh38, 1-based): chr2:237,371,846, C>G on the plus strand (G>C on the coding strand, the complement: COL6A3 is on the minus strand). VCF-style: chr2-237371846-C-G. GRCh37 (hg19) VCF-style: chr2-238280489-C-G.
Other names: c.2950G>C, p.Val984Leu (NM_057164.5); c.3553G>C, p.Val1185Leu (NM_057165.5, NM_057167.4); c.2350G>C, p.Val784Leu (NM_057166.5); short protein forms V1185L, V984L, V1391L, V784L.
Identifiers: ClinVar variation 3666553 (VCV003666553.2).
Genomic context (GRCh38, chr2:237,371,846, plus strand): 5'-GGGTCGTGATGGGCGTCAGCAGTTTCTGCTCCAGGCTGGGCAGCTCCCGGAAGGTGCTCA[C>G]CGAGAACACATATTCGGGGCTCAGCGAGATCTTCACCAGCTCCTCCTGGTCTGCGTTCCT-3'
Protein context (NP_004360.2, residues 1381-1401): ISLSPEYVFS[Val1391Leu]STFRELPSLE

ClinVar aggregate classification (germline): Uncertain significance (1 of 4 stars; one submission).

Conditions:
Bethlem myopathy 1A. Also called: MYOPATHY, BENIGN CONGENITAL, WITH CONTRACTURES; Bethlem myopathy 1; Bethlem Muscular Dystrophy. Identifiers: Orphanet 610, MedGen CN029274, MONDO:0024530, OMIM 158810.

Submission:

Labcorp Genetics (formerly Invitae), Labcorp
Classification: Uncertain significance for Bethlem myopathy 1A. Last evaluated: 2025-01-16. Review status: criteria provided, single submitter. Criteria: Invitae Variant Classification Sherloc (09022015). Collection method: clinical testing. Allele origin: germline.
Comment: This sequence change replaces valine, which is neutral and non-polar, with leucine, which is neutral and non-polar, at codon 1391 of the COL6A3 protein (p.Val1391Leu). This variant is not present in population databases (gnomAD no frequency). This variant has not been reported in the literature in individuals affected with COL6A3-related conditions. Invitae Evidence Modeling of protein sequence and biophysical properties (such as structural, functional, and spatial information, amino acid conservation, physicochemical variation, residue mobility, and thermodynamic stability) indicates that this missense variant is not expected to disrupt COL6A3 protein function with a negative predictive value of 80%. In summary, the available evidence is currently insufficient to determine the role of this variant in disease. Therefore, it has been classified as a Variant of Uncertain Significance.